The following is an entry in ClinVar:

NM_004320.6(ATP2A1):c.2101-8T>G

Gene: ATP2A1 (ATPase sarcoplasmic/endoplasmic reticulum Ca2+ transporting 1; plus strand). Cytogenetic location: 16p11.2.
Variant type: single nucleotide variant.
Coding change: c.2101-8T>G on transcript NM_004320.6 (MANE Select); 8 bases into the intron before coding-DNA position 2101, T replaced by G.
Molecular consequence: intron variant.
Genome position (GRCh38, 1-based): chr16:28,901,855, T>G. VCF-style: chr16-28901855-T-G. GRCh37 (hg19) VCF-style: chr16-28913176-T-G.
Other names: c.2101-8T>G (NM_173201.5); c.1726-8T>G (NM_001286075.2).
Identifiers: ClinVar variation 532735 (VCV000532735.15), dbSNP rs200246286, ClinGen allele CA7987183.

ClinVar aggregate classification (germline): Benign/Likely benign. Review status: criteria provided, multiple submitters, no conflicts (2 of 4 stars). 3 submissions from 3 submitters: Benign (2); Likely benign (1). Last evaluated 2025-12-22.

Conditions:
ATP2A1-related disorder. Also called: ATP2A1-related condition.
Brody myopathy. Also called: BRODY DISEASE. Identifiers: Orphanet 53347, MedGen C1832918, MONDO:0010977, OMIM 601003.

Allele frequency attached by ClinVar (database versions not stated): gnomAD exomes 0.00005 and 0.00017; ExAC 0.00026; 1000 Genomes Project 0.00040; ESP Exome Variant Server 0.00054; TOPMed 0.00057; gnomAD 0.00058 and 0.00061; 1000 Genomes Project 30x 0.00062.
gnomAD v4.1: 162 of 1,612,980 alleles (0.01%); highest among the groups gnomAD compares: African/African-American, 0.19%; no homozygotes.

Submissions (4):

Labcorp Genetics (formerly Invitae), Labcorp
Classification: Benign for Brody myopathy. Last evaluated: 2025-12-22. Review status: criteria provided, single submitter. Criteria: Invitae Variant Classification Sherloc (09022015). Collection method: clinical testing. Allele origin: germline.

PreventionGenetics, part of Exact Sciences
Classification: Likely benign for ATP2A1-related condition. Last evaluated: 2024-10-09. Review status: criteria provided, single submitter. Criteria: ACMG Guidelines, 2015. Collection method: clinical testing. Allele origin: germline.
Comment: This variant is classified as likely benign based on ACMG/AMP sequence variant interpretation guidelines (Richards et al. 2015 PMID: 25741868, with internal and published modifications).

Breakthrough Genomics
Classification: Benign. Review status: criteria provided, single submitter. Criteria: ACMG Guidelines, 2015. Collection method: not provided. Allele origin: germline. Inheritance: Autosomal recessive inheritance. Affected: yes.

Dr. Peter K. Rogan Lab, Western University
No classification provided (evidence only). Condition: Ovarian serous cystadenocarcinoma. Review status: no classification provided. Collection method: in vitro. Allele origin: not applicable. Functional consequence: retained intron. Not counted in ClinVar's aggregate classification.